The following is an entry in ClinVar:

NM_001025389.2(AMPD3):c.876C>T (p.Asn292=)

Gene: AMPD3 (adenosine monophosphate deaminase 3; plus strand). Cytogenetic location: 11p15.4.
Variant type: single nucleotide variant.
Coding change: c.876C>T on transcript NM_001025389.2 (MANE Select); coding-DNA position 876, C replaced by T.
Protein change: p.Asn292=; no amino-acid change (asparagine 292 retained).
Molecular consequence: synonymous variant.
Genome position (GRCh38, 1-based): chr11:10,487,301, C>T. VCF-style: chr11-10487301-C-T. GRCh37 (hg19) VCF-style: chr11-10508848-C-T.
Other names: c.903C>T, p.Asn301= (NM_000480.3); c.897C>T, p.Asn299= (NM_001025390.2); c.876C>T, p.Asn292= (NM_001172430.1); c.399C>T, p.Asn133= (NM_001172431.2).
Identifiers: ClinVar variation 3058715 (VCV003058715.2), dbSNP rs138427529, ClinGen allele CA5882783.

ClinVar aggregate classification (germline): Likely benign (0 of 4 stars; one submission).

Conditions:
AMPD3-related disorder. Also called: AMPD3-related condition.

Allele frequency attached by ClinVar (database versions not stated): ExAC 0.00003; TOPMed 0.00004; gnomAD 0.00005; ESP Exome Variant Server 0.00008; gnomAD exomes 0.00008.
gnomAD v4.1: 117 of 1,614,046 alleles (0.0072%); highest among the groups gnomAD compares: Non-Finnish European, 0.0097%; no homozygotes.

Submission:

PreventionGenetics, part of Exact Sciences
Classification: Likely benign for AMPD3-related condition. Last evaluated: 2019-03-29. Review status: no assertion criteria provided. Collection method: clinical testing. Allele origin: germline.
Comment: This variant is classified as likely benign based on ACMG/AMP sequence variant interpretation guidelines (Richards et al. 2015 PMID: 25741868, with internal and published modifications).